The following is an entry in ClinVar:

NM_001077350.3(NPRL3):c.1024G>C (p.Val342Leu)

Genes: HBA-LCR (alpha-globin locus control region; plus strand), NPRL3 (NPR3 like, GATOR1 complex subunit; minus strand). Cytogenetic location: 16p13.3.
Variant type: single nucleotide variant.
Coding change: c.1024G>C on transcript NM_001077350.3 (MANE Select); coding-DNA position 1024, G replaced by C.
Protein change: p.Val342Leu; replaces valine 342 with leucine.
Molecular consequence: missense variant.
Genome position (GRCh38, 1-based): chr16:93,226, C>G on the plus strand (G>C on the coding strand, the complement: NPRL3 is on the minus strand). VCF-style: chr16-93226-C-G. GRCh37 (hg19) VCF-style: chr16-143224-C-G.
Other names: c.487G>C, p.Val163Leu (NM_001039476.3); c.790G>C, p.Val264Leu (NM_001243247.2); c.949G>C, p.Val317Leu (NM_001243248.2, NM_001243249.2); short protein forms V163L, V264L, V317L, V342L.
Identifiers: ClinVar variation 1992088 (VCV001992088.4), dbSNP rs11558704, ClinGen allele CA276461310.

ClinVar aggregate classification (germline): Uncertain significance (1 of 4 stars; one submission).

Conditions:
Epilepsy, familial focal, with variable foci 3 (FFEVF3). Identifiers: MedGen C4310708, MONDO:0014925, OMIM 617118.

gnomAD v4.1: 6 of 1,549,520 alleles (0.00039%); highest among the groups gnomAD compares: Non-Finnish European, 0.00017%; no homozygotes.

Submission:

Labcorp Genetics (formerly Invitae), Labcorp
Classification: Uncertain significance for Epilepsy, familial focal, with variable foci 3. Last evaluated: 2022-09-10. Review status: criteria provided, single submitter. Criteria: Invitae Variant Classification Sherloc (09022015). Collection method: clinical testing. Allele origin: germline.
Comment: In summary, the available evidence is currently insufficient to determine the role of this variant in disease. Therefore, it has been classified as a Variant of Uncertain Significance. Algorithms developed to predict the effect of sequence changes on RNA splicing suggest that this variant may disrupt the consensus splice site. Experimental studies and prediction algorithms are not available or were not evaluated, and the functional significance of this variant is currently unknown. This variant has not been reported in the literature in individuals affected with NPRL3-related conditions. This variant is not present in population databases (gnomAD no frequency). This sequence change replaces valine, which is neutral and non-polar, with leucine, which is neutral and non-polar, at codon 342 of the NPRL3 protein (p.Val342Leu).